The following is an entry in ClinVar:

NM_001379500.1(COL18A1):c.3044_3053del (p.Pro1015fs)

Genes: COL18A1 (collagen type XVIII alpha 1 chain; plus strand), SLC19A1 (solute carrier family 19 member 1; minus strand). Cytogenetic location: 21q22.3.
Variant type: Deletion.
Coding change: c.3044_3053del on transcript NM_001379500.1 (MANE Select); coding-DNA positions 3044 to 3053, 10 bases deleted (CTGGGCCCCC; older notation c.3044_3053delCTGGGCCCCC).
Protein change: p.Pro1015fs; shifts the reading frame from proline 1015.
Molecular consequence: frameshift variant.
Genome position (GRCh38, 1-based): chr21:45,505,388-45,505,397, CTGGGCCCCC deleted; deleting any 10 consecutive bases within chr21:45,505,380-45,505,397 gives the same sequence; the c. name uses the placement nearest the transcript's 3' end. VCF-style (leftmost placement, unchanged base first): chr21-45505379-CGGGCCCCCCT-C. GRCh37 (hg19) VCF-style: chr21-46925293-CGGGCCCCCCT-C.
Other names: c.3575_3584del, p.Pro1192fs (NM_030582.4); c.4280_4289del, p.Pro1427fs (NM_130444.3); short protein forms P1015fs, P1192fs, P1427fs.
Identifiers: ClinVar variation 1991263 (VCV001991263.4), dbSNP rs768949300, ClinGen allele CA10067645.

ClinVar aggregate classification (germline): Pathogenic (1 of 4 stars; one submission).

Submission:

Labcorp Genetics (formerly Invitae), Labcorp
Classification: Pathogenic. Last evaluated: 2022-10-10. Review status: criteria provided, single submitter. Criteria: Invitae Variant Classification Sherloc (09022015). Collection method: clinical testing. Allele origin: germline.
Comment: For these reasons, this variant has been classified as Pathogenic. This variant has not been reported in the literature in individuals affected with COL18A1-related conditions. This variant is present in population databases (rs768949300, gnomAD 0.004%). This sequence change creates a premature translational stop signal (p.Pro1012Leufs*13) in the COL18A1 gene. It is expected to result in an absent or disrupted protein product. Loss-of-function variants in COL18A1 are known to be pathogenic (PMID: 12415512, 25456301).

Literature cited by the submitters: PubMed 12415512; PubMed 25456301.